The following is an entry in ClinVar:

ClinVar aggregate classification (germline): Uncertain significance (1 of 4 stars; one submission).

Conditions:
Epileptic encephalopathy. Identifiers: MedGen C0543888, HP:0200134.

Allele frequency attached by ClinVar (database versions not stated): gnomAD exomes 0.00001 and 0.00002; ExAC 0.00003; ESP Exome Variant Server 0.00008; gnomAD 0.00014 and 0.00016; TOPMed 0.00015.
gnomAD v4.1: 41 of 1,611,698 alleles (0.0025%); highest among the groups gnomAD compares: African/African-American, 0.052%; no homozygotes.

Submission:

Labcorp Genetics (formerly Invitae), Labcorp
Classification: Uncertain significance for Epileptic encephalopathy. Last evaluated: 2022-08-21. Review status: criteria provided, single submitter. Criteria: Invitae Variant Classification Sherloc (09022015). Collection method: clinical testing. Allele origin: germline.
Comment: In summary, the available evidence is currently insufficient to determine the role of this variant in disease. Therefore, it has been classified as a Variant of Uncertain Significance. Variants that disrupt the consensus splice site are a relatively common cause of aberrant splicing (PMID: 17576681, 9536098). Algorithms developed to predict the effect of sequence changes on RNA splicing suggest that this variant is not likely to affect RNA splicing. ClinVar contains an entry for this variant (Variation ID: 937713). This variant has not been reported in the literature in individuals affected with FASN-related conditions. This variant is present in population databases (rs371336911, gnomAD 0.04%). This sequence change falls in intron 5 of the FASN gene. It does not directly change the encoded amino acid sequence of the FASN protein. It affects a nucleotide within the consensus splice site.

Literature cited by the submitters: PubMed 17576681; PubMed 9536098.

NM_004104.5(FASN):c.656-3C>T

Gene: FASN (fatty acid synthase; minus strand). Cytogenetic location: 17q25.3.
Variant type: single nucleotide variant.
Coding change: c.656-3C>T on transcript NM_004104.5 (MANE Select); 3 bases into the intron before coding-DNA position 656, C replaced by T.
Molecular consequence: intron variant.
Genome position (GRCh38, 1-based): chr17:82,093,022, G>A on the plus strand (C>T on the coding strand, the complement: FASN is on the minus strand). VCF-style: chr17-82093022-G-A. GRCh37 (hg19) VCF-style: chr17-80050898-G-A.
Identifiers: ClinVar variation 937713 (VCV000937713.9), dbSNP rs371336911, ClinGen allele CA8853432.
Genomic context (GRCh38, chr17:82,093,022, plus strand): 5'-AGGGACTTCTTGGTCAGCAGGACGGCCACCACACCCTCCGAGCGGCAGTACCCATTCCCT[G>A]GGTAGAGCAGCACCTCAGGCCCGGGGCTCAGCCCCACGCCGGCCCCCACCCCACCAGGAG-3'